The following is an entry in ClinVar:

ClinVar aggregate classification (germline): Uncertain significance. Review status: criteria provided, multiple submitters, no conflicts (2 of 4 stars). 3 submissions from 3 submitters: Uncertain significance (2). 1 of the submissions does not count toward it. Last evaluated 2022-09-01.

Conditions:
Hereditary cancer-predisposing syndrome. Also called: Hereditary Cancer Syndrome; Hereditary neoplastic syndrome; Neoplastic Syndromes, Hereditary; Tumor predisposition. Identifiers: Orphanet 140162, MedGen C0027672, MeSH D009386, MONDO:0015356.
Breast-ovarian cancer, familial, susceptibility to, 1 (BROVCA1). Also called: BRCA1 Hereditary Breast and Ovarian Cancer; OVARIAN CANCER, SUSCEPTIBILITY TO. Identifiers: Orphanet 145, MedGen C2676676, MONDO:0011450, OMIM 604370. Disease mechanism: loss of function.
Hereditary breast ovarian cancer syndrome. Also called: BRCA1- and BRCA2-Associated Hereditary Breast and Ovarian Cancer; Hereditary breast and ovarian cancer syndrome; Hereditary breast and ovarian cancer syndrome (HBOC); Breast and ovarian cancer; Hereditary breast and/or ovarian cancer syndrome; Hereditary breast and ovarian cancer. Identifiers: Orphanet 145, MedGen C0677776, MeSH D061325, MONDO:0003582. Disease mechanism: loss of function.

Submissions (3):

Labcorp Genetics (formerly Invitae), Labcorp
Classification: Uncertain significance for Hereditary breast ovarian cancer syndrome. Last evaluated: 2022-09-01. Review status: criteria provided, single submitter. Criteria: Invitae Variant Classification Sherloc (09022015). Collection method: clinical testing. Allele origin: germline.
Comment: In summary, the available evidence is currently insufficient to determine the role of this variant in disease. Therefore, it has been classified as a Variant of Uncertain Significance. Advanced modeling of protein sequence and biophysical properties (such as structural, functional, and spatial information, amino acid conservation, physicochemical variation, residue mobility, and thermodynamic stability) performed at Invitae indicates that this missense variant is not expected to disrupt BRCA1 protein function. ClinVar contains an entry for this variant (Variation ID: 91633). This variant has not been reported in the literature in individuals affected with BRCA1-related conditions. This variant is not present in population databases (gnomAD no frequency). This sequence change replaces lysine, which is basic and polar, with threonine, which is neutral and polar, at codon 1530 of the BRCA1 protein (p.Lys1530Thr).

Ambry Genetics
Classification: Uncertain significance for Hereditary cancer-predisposing syndrome. Last evaluated: 2021-07-18. Review status: criteria provided, single submitter. Criteria: Ambry Variant Classification Scheme 2023. Collection method: clinical testing. Allele origin: germline.
Comment: The p.K1530T variant (also known as c.4589A>C), located in coding exon 13 of the BRCA1 gene, results from an A to C substitution at nucleotide position 4589. The lysine at codon 1530 is replaced by threonine, an amino acid with similar properties. This amino acid position is not well conserved in available vertebrate species. In addition, the in silico prediction for this alteration is inconclusive. Since supporting evidence is limited at this time, the clinical significance of this alteration remains unclear.

Sharing Clinical Reports Project (SCRP)
Classification: Uncertain significance for Breast-ovarian cancer, familial 1. Last evaluated: 2011-11-09. Review status: no assertion criteria provided. Collection method: clinical testing. Allele origin: germline. Not counted in ClinVar's aggregate classification.

NM_007294.4(BRCA1):c.4589A>C (p.Lys1530Thr)

Gene: BRCA1 (BRCA1 DNA repair associated; minus strand). Cytogenetic location: 17q21.31.
Variant type: single nucleotide variant.
Coding change: c.4589A>C on transcript NM_007294.4 (MANE Select); coding-DNA position 4589, A replaced by C.
Protein change: p.Lys1530Thr; replaces lysine 1530 with threonine.
Molecular consequence: missense variant. On other transcripts: non-coding transcript variant (1).
Genome position (GRCh38, 1-based): chr17:43,074,417, T>G on the plus strand (A>C on the coding strand, the complement: BRCA1 is on the minus strand). VCF-style: chr17-43074417-T-G. GRCh37 (hg19) VCF-style: chr17-41226434-T-G.
Other names: 4708A>C; c.1064A>C, p.Lys355Thr (NM_001408493.1, NM_001408492.1); c.1040A>C, p.Lys347Thr (NM_001408494.1); c.1034A>C, p.Lys345Thr (NM_001408495.1); c.1016A>C, p.Lys339Thr (NM_001408496.1, NM_001408497.1, NM_001408498.1 and 3 more transcripts); c.1013A>C, p.Lys338Thr (NM_001408502.1, NM_001408503.1, NM_001408504.1); c.4388A>C, p.Lys1463Thr (NM_001407862.1); c.4463A>C, p.Lys1488Thr (NM_001407863.1, NM_001407671.1, NM_001407672.1 and 11 more transcripts); and 69 more; short protein forms K1530T, K426T, K1483T, K1551T, K1234T, K1401T, K1403T, K1440T.
Identifiers: ClinVar variation 91633 (VCV000091633.11), dbSNP rs398122689, ClinGen allele CA002918.